The following is an entry in ClinVar:

ClinVar aggregate classification (germline): Uncertain significance. Review status: criteria provided, multiple submitters, no conflicts (2 of 4 stars). 2 submissions from 2 submitters: Uncertain significance (2). Last evaluated 2025-08-11.

Conditions:
Inborn genetic diseases. Identifiers: MedGen C0950123, MeSH D030342.
Nephronophthisis. Also called: Juvenile Nephronophthisis. Identifiers: Orphanet 655, MedGen C0687120, MONDO:0019005, HP:0000090.

Allele frequency attached by ClinVar (database versions not stated): gnomAD exomes below 0.00001.
gnomAD v4.1: 6 of 1,614,134 alleles (0.00037%); highest among the groups gnomAD compares: Non-Finnish European, 0.00051%; no homozygotes.

Submissions (2):

Ambry Genetics
Classification: Uncertain significance for Inborn genetic diseases. Last evaluated: 2025-08-11. Review status: criteria provided, single submitter. Criteria: Ambry Variant Classification Scheme 2023. Collection method: clinical testing. Allele origin: germline.

Labcorp Genetics (formerly Invitae), Labcorp
Classification: Uncertain significance for Nephronophthisis. Last evaluated: 2022-02-09. Review status: criteria provided, single submitter. Criteria: Invitae Variant Classification Sherloc (09022015). Collection method: clinical testing. Allele origin: germline.
Comment: This sequence change replaces arginine, which is basic and polar, with glycine, which is neutral and non-polar, at codon 60 of the INVS protein (p.Arg60Gly). This variant is not present in population databases (gnomAD no frequency). This variant has not been reported in the literature in individuals affected with INVS-related conditions. ClinVar contains an entry for this variant (Variation ID: 970180). Algorithms developed to predict the effect of missense changes on protein structure and function are either unavailable or do not agree on the potential impact of this missense change (SIFT: "Deleterious"; PolyPhen-2: "Probably Damaging"; Align-GVGD: "Class C0"). In summary, the available evidence is currently insufficient to determine the role of this variant in disease. Therefore, it has been classified as a Variant of Uncertain Significance.

NM_014425.5(INVS):c.178A>G (p.Arg60Gly)

Gene: INVS (inversin; plus strand). Cytogenetic location: 9q31.1.
Variant type: single nucleotide variant.
Coding change: c.178A>G on transcript NM_014425.5 (MANE Select); coding-DNA position 178, A replaced by G.
Protein change: p.Arg60Gly; replaces arginine 60 with glycine.
Molecular consequence: missense variant. On other transcripts: 5 prime UTR variant (2), non-coding transcript variant (1).
Genome position (GRCh38, 1-based): chr9:100,126,454, A>G. VCF-style: chr9-100126454-A-G. GRCh37 (hg19) VCF-style: chr9-102888736-A-G.
Other names: c.-199A>G (NM_001318381.2); c.-812A>G (NM_001318382.2); c.178A>G (NM_014425.2); short protein forms R60G.
Identifiers: ClinVar variation 970180 (VCV000970180.8), dbSNP rs886038603, ClinGen allele CA374360877.